The following is an entry in ClinVar:

ClinVar aggregate classification (germline): Likely benign (1 of 4 stars; one submission).

Submission:

CeGaT Center for Human Genetics Tuebingen
Classification: Likely benign. Last evaluated: 2024-10-01. Review status: criteria provided, single submitter. Criteria: CeGaT Center For Human Genetics Tuebingen Variant Classification Criteria Version 2. Collection method: clinical testing. Allele origin: germline. Affected: yes. Observed: 1 variant allele.
Comment: SSC5D: BP4, BP7

NM_001144950.2(SSC5D):c.3729G>A (p.Thr1243=)

Gene: SSC5D (scavenger receptor cysteine rich family member with 5 domains; plus strand). Cytogenetic location: 19q13.42.
Variant type: single nucleotide variant.
Coding change: c.3729G>A on transcript NM_001144950.2 (MANE Select); coding-DNA position 3729, G replaced by A.
Protein change: p.Thr1243=; no amino-acid change (threonine 1243 retained).
Molecular consequence: synonymous variant.
Genome position (GRCh38, 1-based): chr19:55,518,005, G>A. VCF-style: chr19-55518005-G-A. GRCh37 (hg19) VCF-style: chr19-56029372-G-A.
Identifiers: ClinVar variation 3388192 (VCV003388192.14).
Genomic context (GRCh38, chr19:55,518,005, plus strand): 5'-ACCCTTCACCACCATGCAGCCCACCACAACCCCTCACTCCACAACCCCTCACCCCACCAC[G>A]ACCCCTCATCCCACCACCATCACTCACTCCACCATGATTCCTGACCCCACCACAACCCCT-3'
Protein context (NP_001138422.1, residues 1233-1253): TPHSTTPHPT[Thr1243=]TPHPTTITHS